The following is an entry in ClinVar:

NM_022455.5(NSD1):c.3818_3819del (p.Arg1273fs)

Gene: NSD1 (nuclear receptor binding SET domain protein 1; plus strand). Cytogenetic location: 5q35.3.
Variant type: Deletion.
Coding change: c.3818_3819del on transcript NM_022455.5 (MANE Select); coding-DNA positions 3818 to 3819, 2 bases deleted (GC; older notation c.3818_3819delGC).
Protein change: p.Arg1273fs; shifts the reading frame from arginine 1273.
Molecular consequence: frameshift variant.
Genome position (GRCh38, 1-based): chr5:177,235,842-177,235,843, GC deleted; deleting any 2 consecutive bases within chr5:177,235,841-177,235,843 gives the same sequence; the c. name uses the placement nearest the transcript's 3' end. VCF-style (leftmost placement, unchanged base first): chr5-177235840-ACG-A. GRCh37 (hg19) VCF-style: chr5-176662841-ACG-A.
Other names: c.2945_2946del, p.Arg982fs (NM_001365684.2, NM_001409306.1, NM_001409307.1 and 3 more transcripts); c.3818_3819del, p.Arg1273fs (NM_001409301.1, NM_001409302.1, NM_001409303.1); c.3398_3399del, p.Arg1133fs (NM_001409304.1); c.3065_3066del, p.Arg1022fs (NM_001409305.1); c.3818_3819delGC, p.Arg1273Profs (NM_022455.4); short protein forms R1022fs, R1133fs, R1273fs, R982fs.
Identifiers: ClinVar variation 2574207 (VCV002574207.1), dbSNP rs2480580458, ClinGen allele CA2573332939.

ClinVar aggregate classification (germline): Pathogenic (1 of 4 stars; one submission).

Submission:

GeneDx
Classification: Pathogenic. Last evaluated: 2023-01-30. Review status: criteria provided, single submitter. Criteria: GeneDx Variant Classification Process June 2021. Collection method: clinical testing. Allele origin: germline. Affected: yes.
Comment: Frameshift variant predicted to result in protein truncation or nonsense mediated decay in a gene for which loss of function is a known mechanism of disease; Not observed at significant frequency in large population cohorts (gnomAD); Has not been previously published as pathogenic or benign to our knowledge